The following is an entry in ClinVar:

ClinVar aggregate classification (germline): Uncertain significance. Review status: criteria provided, multiple submitters, no conflicts (2 of 4 stars). 3 submissions from 3 submitters: Uncertain significance (3). Last evaluated 2025-12-20.

Conditions:
Hereditary cancer-predisposing syndrome. Also called: Neoplastic Syndromes, Hereditary; Hereditary Cancer Syndrome; Tumor predisposition; Hereditary neoplastic syndrome. Identifiers: Orphanet 140162, MedGen C0027672, MeSH D009386, MONDO:0015356.
Familial adenomatous polyposis 1 (FAP1). Also called: POLYPOSIS, ADENOMATOUS INTESTINAL; FAMILIAL ADENOMATOUS POLYPOSIS 1, ATTENUATED. Identifiers: MedGen C2713442, MONDO:0021056, OMIM 175100. Disease mechanism: loss of function.

Submissions (3):

Labcorp Genetics (formerly Invitae), Labcorp
Classification: Uncertain significance for Familial adenomatous polyposis 1. Last evaluated: 2025-12-20. Review status: criteria provided, single submitter. Criteria: Invitae Variant Classification Sherloc (09022015). Collection method: clinical testing. Allele origin: germline.
Comment: This sequence change replaces alanine, which is neutral and non-polar, with serine, which is neutral and polar, at codon 2690 of the APC protein (p.Ala2690Ser). This variant is not present in population databases (gnomAD no frequency). This variant has not been reported in the literature in individuals affected with APC-related conditions. ClinVar contains an entry for this variant (Variation ID: 943079). Invitae Evidence Modeling of protein sequence and biophysical properties (such as structural, functional, and spatial information, amino acid conservation, physicochemical variation, residue mobility, and thermodynamic stability) indicates that this missense variant is not expected to disrupt APC protein function with a negative predictive value of 95%. In summary, the available evidence is currently insufficient to determine the role of this variant in disease. Therefore, it has been classified as a Variant of Uncertain Significance.

Baylor Genetics
Classification: Uncertain significance for Familial adenomatous polyposis 1. Last evaluated: 2024-03-25. Review status: criteria provided, single submitter. Criteria: ACMG Guidelines, 2015. Collection method: clinical testing. Allele origin: unknown.

Ambry Genetics
Classification: Uncertain significance for Hereditary cancer-predisposing syndrome. Last evaluated: 2023-06-30. Review status: criteria provided, single submitter. Criteria: Ambry Variant Classification Scheme 2023. Collection method: clinical testing. Allele origin: germline.
Comment: The p.A2690S variant (also known as c.8068G>T), located in coding exon 15 of the APC gene, results from a G to T substitution at nucleotide position 8068. The alanine at codon 2690 is replaced by serine, an amino acid with similar properties. This amino acid position is poorly conserved in available vertebrate species. In addition, in silico predictors for this gene do not accurately predict pathogenicity. Since supporting evidence is limited at this time, the clinical significance of this alteration remains unclear.

NM_000038.6(APC):c.8068G>T (p.Ala2690Ser)

Gene: APC (APC regulator of Wnt signaling pathway; plus strand). Cytogenetic location: 5q22.2.
Variant type: single nucleotide variant.
Coding change: c.8068G>T on transcript NM_000038.6 (MANE Select); coding-DNA position 8068, G replaced by T.
Protein change: p.Ala2690Ser; replaces alanine 2690 with serine.
Molecular consequence: missense variant.
Genome position (GRCh38, 1-based): chr5:112,843,662, G>T. VCF-style: chr5-112843662-G-T. GRCh37 (hg19) VCF-style: chr5-112179359-G-T.
Other names: c.8068G>T, p.Ala2690Ser (NM_001127510.3, NM_001354895.2); c.8014G>T, p.Ala2672Ser (NM_001127511.3); c.8122G>T, p.Ala2708Ser (NM_001354896.2); c.8098G>T, p.Ala2700Ser (NM_001354897.2); c.7993G>T, p.Ala2665Ser (NM_001354898.2); c.7984G>T, p.Ala2662Ser (NM_001354899.2); c.7945G>T, p.Ala2649Ser (NM_001354900.2); c.7891G>T, p.Ala2631Ser (NM_001354901.2); and 5 more; short protein forms A2665S, A2672S, A2530S, A2564S, A2631S, A2649S, A2700S, A2599S.
Identifiers: ClinVar variation 943079 (VCV000943079.13), dbSNP rs140868933, ClinGen allele CA16038850.